The following is an entry in ClinVar:

NM_004304.5(ALK):c.2652T>A (p.Asn884Lys)

Gene: ALK (ALK receptor tyrosine kinase; minus strand). Cytogenetic location: 2p23.2.
Variant type: single nucleotide variant.
Coding change: c.2652T>A on transcript NM_004304.5 (MANE Select); coding-DNA position 2652, T replaced by A.
Protein change: p.Asn884Lys; replaces asparagine 884 with lysine.
Molecular consequence: missense variant.
Genome position (GRCh38, 1-based): chr2:29,229,047, A>T on the plus strand (T>A on the coding strand, the complement: ALK is on the minus strand). VCF-style: chr2-29229047-A-T. GRCh37 (hg19) VCF-style: chr2-29451913-A-T.
Other names: short protein forms N884K.
Identifiers: ClinVar variation 4870076 (VCV004870076.1).
Genomic context (GRCh38, chr2:29,229,047, plus strand): 5'-ATGTCCTCCGGTGGCACCCTCCTGCAAAGATTTTCCGGCCCAGAGCAAGGAAGTGTTATC[A>T]TTCCAGCCACCTCCACCACCTGCGGGAAGAGATAGGGAACCTGCGTGAGGATGCTGGCAA-3'
Protein context (NP_004295.2, residues 874-894): SGAAGGGGGW[Asn884Lys]DNTSLLWAGK

ClinVar aggregate classification (germline): Uncertain significance (1 of 4 stars; one submission).

Conditions:
Hereditary cancer-predisposing syndrome. Also called: Neoplastic Syndromes, Hereditary; Tumor predisposition; Hereditary Cancer Syndrome; Hereditary neoplastic syndrome. Identifiers: Orphanet 140162, MedGen C0027672, MeSH D009386, MONDO:0015356.

gnomAD v4.1: 2 of 1,613,302 alleles (0.00012%); highest among the groups gnomAD compares: South Asian, 0.0022%; no homozygotes.

Submission:

Ambry Genetics
Classification: Uncertain significance for Hereditary cancer-predisposing syndrome. Last evaluated: 2026-04-13. Review status: criteria provided, single submitter. Criteria: Ambry Variant Classification Scheme 2023. Collection method: clinical testing. Allele origin: germline.
Comment: The p.N884K variant (also known as c.2652T>A), located in coding exon 16 of the ALK gene, results from a T to A substitution at nucleotide position 2652. The asparagine at codon 884 is replaced by lysine, an amino acid with similar properties. This amino acid position is conserved. In addition, this alteration is predicted to be tolerated by in silico analysis. Based on the available evidence, the clinical significance of this variant remains unclear.